The following is an entry in ClinVar:

NM_004629.2(FANCG):c.68T>A (p.Leu23His)

Gene: FANCG (FA complementation group G; minus strand). Cytogenetic location: 9p13.3.
Variant type: single nucleotide variant.
Coding change: c.68T>A on transcript NM_004629.2 (MANE Select); coding-DNA position 68, T replaced by A.
Protein change: p.Leu23His; replaces leucine 23 with histidine.
Molecular consequence: missense variant.
Genome position (GRCh38, 1-based): chr9:35,079,457, A>T on the plus strand (T>A on the coding strand, the complement: FANCG is on the minus strand). VCF-style: chr9-35079457-A-T. GRCh37 (hg19) VCF-style: chr9-35079454-A-T.
Other names: short protein forms L23H.
Identifiers: ClinVar variation 4619357 (VCV004619357.1).

ClinVar aggregate classification (germline): Uncertain significance (1 of 4 stars; one submission).

Conditions:
Inborn genetic diseases. Identifiers: MedGen C0950123, MeSH D030342.

gnomAD v4.1: 1 of 1,614,102 alleles (0.000062%); highest among the groups gnomAD compares: Non-Finnish European, 0.000085%; no homozygotes.

Submission:

Ambry Genetics
Classification: Uncertain significance for Inborn genetic diseases. Last evaluated: 2025-09-27. Review status: criteria provided, single submitter. Criteria: Ambry Variant Classification Scheme 2023. Collection method: clinical testing. Allele origin: germline.
Comment: The p.L23H variant (also known as c.68T>A), located in coding exon 1 of the FANCG gene, results from a T to A substitution at nucleotide position 68. The leucine at codon 23 is replaced by histidine, an amino acid with similar properties. This amino acid position is conserved. In addition, this alteration is predicted to be deleterious by in silico analysis. Based on the available evidence, the clinical significance of this variant remains unclear.